The following is an entry in ClinVar:

NM_005476.7(GNE):c.893T>C (p.Ile298Thr)

Gene: GNE (glucosamine (UDP-N-acetyl)-2-epimerase/N-acetylmannosamine kinase; minus strand). Cytogenetic location: 9p13.3.
Variant type: single nucleotide variant.
Coding change: c.893T>C on transcript NM_005476.7 (MANE Select); coding-DNA position 893, T replaced by C.
Protein change: p.Ile298Thr; replaces isoleucine 298 with threonine.
Molecular consequence: missense variant.
Genome position (GRCh38, 1-based): chr9:36,234,009, A>G on the plus strand (T>C on the coding strand, the complement: GNE is on the minus strand). VCF-style: chr9-36234009-A-G. GRCh37 (hg19) VCF-style: chr9-36234006-A-G.
Other names: c.986T>C, p.Ile329Thr (NM_001128227.3); c.893T>C, p.Ile298Thr (NM_001190383.3); c.563T>C, p.Ile188Thr (NM_001190384.3); c.716T>C, p.Ile239Thr (NM_001190388.2, NM_001374798.1); c.740T>C, p.Ile247Thr (NM_001374797.1); short protein forms I298T, I329T, I188T, I239T, I247T.
Identifiers: ClinVar variation 498387 (VCV000498387.18), dbSNP rs757091387, ClinGen allele CA5056641.

ClinVar aggregate classification (germline): Pathogenic/Likely pathogenic. Review status: criteria provided, multiple submitters, no conflicts (2 of 4 stars). 7 submissions from 7 submitters: Pathogenic (2); Likely pathogenic (4). 1 of the submissions does not count toward it. Last evaluated 2024-02-28.

Conditions:
Sialuria. Also called: Sialic Acid Storage Disease; SIALURIA, FRENCH TYPE. Identifiers: Orphanet 3166, MedGen C0342853, MONDO:0010028, OMIM 269921.
GNE myopathy (NM). Also called: NONAKA DISTAL MYOPATHY; MYOPATHY, DISTAL, WITH OR WITHOUT RIMMED VACUOLES; INCLUSION BODY MYOPATHY, HEREDITARY, AUTOSOMAL RECESSIVE; INCLUSION BODY MYOPATHY 2, AUTOSOMAL RECESSIVE; IBM 2; Inclusion body myopathy autosomal recessive. Identifiers: Orphanet 602, MedGen C1853926, MONDO:0011603, OMIM 605820.

Allele frequency attached by ClinVar (database versions not stated): gnomAD exomes below 0.00001 and 0.00001; TOPMed below 0.00001; ExAC 0.00001.
gnomAD v4.1: 2 of 1,614,094 alleles (0.00012%); highest among the groups gnomAD compares: Non-Finnish European, 0.00017%; no homozygotes.

Submissions (7):

Baylor Genetics
Classification: Pathogenic for GNE myopathy. Last evaluated: 2024-02-28. Review status: criteria provided, single submitter. Criteria: ACMG Guidelines, 2015. Collection method: clinical testing. Allele origin: unknown.

Labcorp Genetics (formerly Invitae), Labcorp
Classification: Likely pathogenic for Sialuria; GNE myopathy. Last evaluated: 2022-07-01. Review status: criteria provided, single submitter. Criteria: Invitae Variant Classification Sherloc (09022015). Collection method: clinical testing. Allele origin: germline.
Comment: In summary, the currently available evidence indicates that the variant is pathogenic, but additional data are needed to prove that conclusively. Therefore, this variant has been classified as Likely Pathogenic. Algorithms developed to predict the effect of missense changes on protein structure and function (SIFT, PolyPhen-2, Align-GVGD) all suggest that this variant is likely to be disruptive. ClinVar contains an entry for this variant (Variation ID: 498387). This variant is also known as p.Ile298Thr. This missense change has been observed in individuals with autosomal recessive distal myopathy or congenital myopathy (PMID: 20059379, 24027297, 27858732, 29480215, 33250842). This variant is present in population databases (rs757091387, gnomAD 0.004%). This sequence change replaces isoleucine, which is neutral and non-polar, with threonine, which is neutral and polar, at codon 329 of the GNE protein (p.Ile329Thr).

Revvity Omics, Revvity
Classification: Pathogenic. Last evaluated: 2022-06-24. Review status: criteria provided, single submitter. Criteria: ACMG Guidelines, 2015. Collection method: clinical testing. Allele origin: germline.

Fulgent Genetics
Classification: Likely pathogenic for Sialuria; GNE myopathy. Last evaluated: 2022-03-16. Review status: criteria provided, single submitter. Criteria: ACMG Guidelines, 2015. Collection method: clinical testing. Allele origin: unknown.

Eurofins Ntd Llc (ga)
Classification: Likely pathogenic. Last evaluated: 2016-12-13. Review status: criteria provided, single submitter. Criteria: EGL Classification Definitions 2015. Collection method: clinical testing. Allele origin: germline. Observed: 1 variant allele, 1 heterozygote.

Neuberg Centre For Genomic Medicine, NCGM
Classification: Likely pathogenic for GNE myopathy. Review status: criteria provided, single submitter. Criteria: ACMG Guidelines, 2015. Collection method: clinical testing. Allele origin: germline. Inheritance: Autosomal recessive inheritance. Affected: yes.
Comment: The GNE c.986T>C(p.Ile329Thr) variant has been reported in individuals affected with GNE myopathy (Khadilkar et al., 2017). The p.Ile329Thr variant is reported with the allele frequency (0.0007%) in the gnomAD Exomes and is novel (not in any individuals) in 1000 Genomes. This variant has been reported to the ClinVar database as Likely Pathogenic. The amino acid Ile at position 329 is changed to a Thr changing protein sequence and it might alter its composition and physico-chemical properties. The variant is predicted to be damaging by both SIFT and PolyPhen2. The residue is conserved across species. The amino acid change p.Ile329Thr in GNE is predicted as conserved by GERP++ and PhyloP across 100 vertebrates. For these reasons, this variant has been classified as Likely Pathogenic.

Counsyl
Classification: Likely pathogenic for GNE myopathy. Last evaluated: 2017-04-03. Review status: no assertion criteria provided. Collection method: clinical testing. Allele origin: unknown. Not counted in ClinVar's aggregate classification.

Literature cited by the submitters: PubMed 20059379 (cited by 3 submitters); PubMed 24027297 (cited by Labcorp Genetics (formerly Invitae), Labcorp and Counsyl); PubMed 27858732 (cited by Labcorp Genetics (formerly Invitae), Labcorp and Counsyl); PubMed 29480215 (cited by Labcorp Genetics (formerly Invitae), Labcorp); PubMed 33250842 (cited by Labcorp Genetics (formerly Invitae), Labcorp).